The following is an entry in ClinVar:

ClinVar aggregate classification (germline): Conflicting classifications of pathogenicity. Review status: criteria provided, conflicting classifications (1 of 4 stars). 10 submissions from 10 submitters: Uncertain significance (7); Likely benign (1). 2 of the submissions do not count toward it. Last evaluated 2026-07-21.

Conditions:
DHCR7-related disorder. Also called: DHCR7-related condition.
Inborn genetic diseases. Identifiers: MedGen C0950123, MeSH D030342.
Smith-Lemli-Opitz syndrome (SLOS). Also called: POLYDACTYLY, SEX REVERSAL, RENAL HYPOPLASIA, AND UNILOBAR LUNG; LETHAL ACRODYSGENITAL SYNDROME; RSH SYNDROME; RUTLEDGE LETHAL MULTIPLE CONGENITAL ANOMALY SYNDROME; 7-Dehydrocholesterol reductase deficiency. Identifiers: Orphanet 818, MedGen C0175694, MONDO:0010035, OMIM 270400.

Allele frequency attached by ClinVar (database versions not stated): ExAC 0.00009; TOPMed 0.00038; gnomAD 0.00041; ESP Exome Variant Server 0.00008; gnomAD exomes 0.00007; 1000 Genomes Project 0.00040.
gnomAD v4.1: 98 of 1,612,810 alleles (0.0061%); highest among the groups gnomAD compares: African/African-American, 0.11%; no homozygotes.

Submissions (10):

GeneDx
Classification: Uncertain significance. Last evaluated: 2026-07-21. Review status: criteria provided, single submitter. Criteria: GeneDx Variant Classification Process June 2021. Collection method: clinical testing. Allele origin: germline.
Comment: Previously reported in association with SLOS; detailed clinical information and information about a second variant in DHCR7 was not reported (PMID: 23042628); In silico analysis suggests that this missense variant does not alter protein structure/function; This variant is associated with the following publications: (PMID: 23891399, 24813812, 29300326, 23042628)

Women's Health and Genetics/Laboratory Corporation of America, LabCorp
Classification: Uncertain significance. Last evaluated: 2026-06-24. Review status: criteria provided, single submitter. Criteria: LabCorp Variant Classification Summary - May 2015. Collection method: clinical testing. Allele origin: germline.
Comment: Variant summary: DHCR7 c.400G>T (p.Val134Leu) results in a conservative amino acid change in the encoded protein sequence. Algorithms developed to predict the effect of missense changes on protein structure and function are either unavailable or do not agree on the potential impact of this missense change. The variant allele was found at a frequency of 7.2e-05 in 249662 control chromosomes, predominantly at a frequency of 0.00081 within the African or African-American subpopulation in the gnomAD database. This frequency is not significantly higher than estimated for disease-causing variants in DHCR7, allowing no conclusion about variant significance. c.400G>T has been observed in unspecified individuals affected with Smith-Lemli-Opitz Syndrome, without strong evidence for causality (Waterham_2012). These report(s) do not provide unequivocal conclusions about association of the variant with disease. To our knowledge, no experimental evidence demonstrating an impact on protein function has been reported. The following publication has been ascertained in the context of this evaluation (PMID: 23042628). ClinVar contains an entry for this variant (Variation ID: 93718). Based on the evidence outlined above, the variant was classified as uncertain significance.

Labcorp Genetics (formerly Invitae), Labcorp
Classification: Likely benign for Smith-Lemli-Opitz syndrome. Last evaluated: 2025-12-26. Review status: criteria provided, single submitter. Criteria: Invitae Variant Classification Sherloc (09022015). Collection method: clinical testing. Allele origin: germline.

PreventionGenetics, part of Exact Sciences
Classification: Uncertain significance for DHCR7-related condition. Last evaluated: 2025-10-14. Review status: criteria provided, single submitter. Criteria: ACMG Guidelines, 2015. Collection method: clinical testing. Allele origin: germline.
Comment: The DHCR7 c.400G>T variant is predicted to result in the amino acid substitution p.Val134Leu. This variant has been reported in an individual with Smith-Lemli-Opitz syndrome (Waterham et al. 2012. PubMed ID: 23042628). This variant is reported in 0.11% of alleles in individuals of African descent in gnomAD, which is relatively high for a pathogenic variant. Although we suspect this variant is benign, at this time, the clinical significance of this variant is uncertain due to the absence of conclusive functional and genetic evidence.

Dasa
Classification: Uncertain significance. Last evaluated: 2024-10-10. Review status: criteria provided, single submitter. Criteria: DASA Assertion Criteria. Collection method: clinical testing. Allele origin: germline.
Comment: NM_001360.3(DHCR7):c.400G>T (p.Val134Leu) is a missense variant that results in the substitution of valine with leucine. This variant has been observed in affected individuals with DHCR7-related disorders. Also, this variant is rare in population databases. The currently available literature and clinical evidence are not sufficient to establish a definitive association between this variant and the reported condition. Therefore, this variant is classified as a variant of uncertain significance.

Fulgent Genetics
Classification: Uncertain significance for Smith-Lemli-Opitz syndrome. Last evaluated: 2022-01-25. Review status: criteria provided, single submitter. Criteria: ACMG Guidelines, 2015. Collection method: clinical testing. Allele origin: unknown.

Eurofins Ntd Llc (ga)
Classification: Uncertain significance. Last evaluated: 2018-01-22. Review status: criteria provided, single submitter. Criteria: EGL Classification Definitions 2015. Collection method: clinical testing. Allele origin: germline. Observed: 5 variant alleles, 5 heterozygotes.

Ambry Genetics
Classification: Uncertain significance for Inborn genetic diseases. Last evaluated: 2018-01-04. Review status: criteria provided, single submitter. Criteria: Ambry Variant Classification Scheme 2023. Collection method: clinical testing. Allele origin: germline.
Comment: The p.V134L variant (also known as c.400G>T), located in coding exon 3 of the DHCR7 gene, results from a G to T substitution at nucleotide position 400. The valine at codon 134 is replaced by leucine, an amino acid with highly similar properties. This alteration was identified and considered causative in one study; however, no information regarding patient phenotype or second allele genotype was provided (Waterham HR et al. Am J Med Genet C Semin Med Genet, 2012 Nov;160C:263-84; Cross JL et al. Clin. Genet., 2015 Jun;87:570-5). This amino acid position is not well conserved in available vertebrate species. In addition, the in silico prediction for this alteration is inconclusive. Since supporting evidence is limited at this time, the clinical significance of this alteration remains unclear.

Counsyl
Classification: Uncertain significance for Smith-Lemli-Opitz syndrome. Last evaluated: 2018-05-04. Review status: no assertion criteria provided. Collection method: clinical testing. Allele origin: unknown. Not counted in ClinVar's aggregate classification.

Natera, Inc.
Classification: Uncertain significance for Smith-Lemli-Opitz syndrome. Last evaluated: 2018-05-01. Review status: no assertion criteria provided. Collection method: clinical testing. Allele origin: germline. Not counted in ClinVar's aggregate classification.

Literature cited by the submitters: PubMed 23042628 (cited by 4 submitters); PubMed 24813812 (cited by Ambry Genetics and Counsyl).

NM_001360.3(DHCR7):c.400G>T (p.Val134Leu)

Gene: DHCR7 (7-dehydrocholesterol reductase; minus strand). Cytogenetic location: 11q13.4.
Variant type: single nucleotide variant.
Coding change: c.400G>T on transcript NM_001360.3 (MANE Select); coding-DNA position 400, G replaced by T.
Protein change: p.Val134Leu; replaces valine 134 with leucine.
Molecular consequence: missense variant.
Genome position (GRCh38, 1-based): chr11:71,442,275, C>A on the plus strand (G>T on the coding strand, the complement: DHCR7 is on the minus strand). VCF-style: chr11-71442275-C-A. GRCh37 (hg19) VCF-style: chr11-71153321-C-A.
Other names: c.400G>T, p.Val134Leu (NM_001163817.2); short protein forms V134L.
Identifiers: ClinVar variation 93718 (VCV000093718.37), dbSNP rs201466849, ClinGen allele CA221668.